The following is an entry in ClinVar:

NM_152564.5(VPS13B):c.11202C>T (p.Gly3734=)

Gene: VPS13B (vacuolar protein sorting 13 homolog B; plus strand). Cytogenetic location: 8q22.2.
Variant type: single nucleotide variant.
Coding change: c.11202C>T on transcript NM_152564.5 (MANE Select); coding-DNA position 11202, C replaced by T.
Protein change: p.Gly3734=; no amino-acid change (glycine 3734 retained).
Molecular consequence: synonymous variant.
Genome position (GRCh38, 1-based): chr8:99,861,933, C>T. VCF-style: chr8-99861933-C-T. GRCh37 (hg19) VCF-style: chr8-100874161-C-T.
Other names: c.11202C>T (NM_152564.4); c.11277C>T, p.Gly3759= (NM_017890.5).
Identifiers: ClinVar variation 946879 (VCV000946879.9), dbSNP rs766658666, ClinGen allele CA4825163.

ClinVar aggregate classification (germline): Likely benign. Review status: criteria provided, single submitter (1 of 4 stars). 3 submissions from 3 submitters: Likely benign (1). 2 of the submissions do not count toward it. Last evaluated 2023-09-26.

Conditions:
Cohen syndrome (COH1). Also called: PEPPER SYNDROME; Cutis verticis gyrata, retinitis pigmentosa, and sensorineural deafness. Identifiers: Orphanet 193, MedGen C0265223, MONDO:0008999, OMIM 216550.
VPS13B-related disorder. Also called: VPS13B-related condition.

Allele frequency attached by ClinVar (database versions not stated): gnomAD exomes 0.00001; ExAC 0.00002.
gnomAD v4.1: 3 of 1,593,298 alleles (0.00019%); highest among the groups gnomAD compares: Non-Finnish European, 0.00026%; no homozygotes.

Submissions (3):

Labcorp Genetics (formerly Invitae), Labcorp
Classification: Likely benign for Cohen syndrome. Last evaluated: 2023-09-26. Review status: criteria provided, single submitter. Criteria: Invitae Variant Classification Sherloc (09022015). Collection method: clinical testing. Allele origin: germline.

PreventionGenetics, part of Exact Sciences
Classification: Likely benign for VPS13B-related condition. Last evaluated: 2022-09-15. Review status: no assertion criteria provided. Collection method: clinical testing. Allele origin: germline. Not counted in ClinVar's aggregate classification.
Comment: This variant is classified as likely benign based on ACMG/AMP sequence variant interpretation guidelines (Richards et al. 2015 PMID: 25741868, with internal and published modifications).

Natera, Inc.
Classification: Uncertain significance for Cohen syndrome. Last evaluated: 2021-06-09. Review status: no assertion criteria provided. Collection method: clinical testing. Allele origin: germline. Not counted in ClinVar's aggregate classification.